The following is an entry in ClinVar:

ClinVar aggregate classification (germline): Uncertain significance (1 of 4 stars; one submission).

Conditions:
Bethlem myopathy 1A. Also called: MYOPATHY, BENIGN CONGENITAL, WITH CONTRACTURES; Bethlem Muscular Dystrophy; Bethlem myopathy 1. Identifiers: Orphanet 610, MedGen CN029274, MONDO:0024530, OMIM 158810.

Allele frequency attached by ClinVar (database versions not stated): gnomAD exomes below 0.00001.
gnomAD v4.1: 4 of 1,614,228 alleles (0.00025%); highest among the groups gnomAD compares: Non-Finnish European, 0.00025%; no homozygotes.

Submission:

Labcorp Genetics (formerly Invitae), Labcorp
Classification: Uncertain significance for Bethlem myopathy 1A. Last evaluated: 2020-11-07. Review status: criteria provided, single submitter. Criteria: Invitae Variant Classification Sherloc (09022015). Collection method: clinical testing. Allele origin: germline.
Comment: This sequence change replaces aspartic acid with asparagine at codon 1004 of the COL6A3 protein (p.Asp1004Asn). The aspartic acid residue is moderately conserved and there is a small physicochemical difference between aspartic acid and asparagine. In summary, the available evidence is currently insufficient to determine the role of this variant in disease. Therefore, it has been classified as a Variant of Uncertain Significance. Advanced modeling of protein sequence and biophysical properties (such as structural, functional, and spatial information, amino acid conservation, physicochemical variation, residue mobility, and thermodynamic stability) performed at Invitae indicates that this missense variant is not expected to disrupt COL6A3 protein function. This variant has not been reported in the literature in individuals with COL6A3-related conditions. This variant is not present in population databases (ExAC no frequency).

NM_004369.4(COL6A3):c.3010G>A (p.Asp1004Asn)

Gene: COL6A3 (collagen type VI alpha 3 chain; minus strand). Cytogenetic location: 2q37.3.
Variant type: single nucleotide variant.
Coding change: c.3010G>A on transcript NM_004369.4 (MANE Select); coding-DNA position 3010, G replaced by A.
Protein change: p.Asp1004Asn; replaces aspartic acid 1004 with asparagine.
Molecular consequence: missense variant.
Genome position (GRCh38, 1-based): chr2:237,376,832, C>T on the plus strand (G>A on the coding strand, the complement: COL6A3 is on the minus strand). VCF-style: chr2-237376832-C-T. GRCh37 (hg19) VCF-style: chr2-238285475-C-T.
Other names: c.1789G>A, p.Asp597Asn (NM_057164.5); c.2392G>A, p.Asp798Asn (NM_057165.5, NM_057167.4); c.1189G>A, p.Asp397Asn (NM_057166.5); short protein forms D597N, D1004N, D397N, D798N.
Identifiers: ClinVar variation 1345059 (VCV001345059.8), dbSNP rs2106364042, ClinGen allele CA351206986.